The following is an entry in ClinVar:

ClinVar aggregate classification (germline): Pathogenic. Review status: criteria provided, multiple submitters, no conflicts (2 of 4 stars). 4 submissions from 4 submitters: Pathogenic (4). Last evaluated 2026-03-03.

Conditions:
Hereditary cancer-predisposing syndrome. Also called: Hereditary Cancer Syndrome; Hereditary neoplastic syndrome; Neoplastic Syndromes, Hereditary; Tumor predisposition. Identifiers: Orphanet 140162, MedGen C0027672, MeSH D009386, MONDO:0015356.
Hereditary diffuse gastric adenocarcinoma (HDGC). Also called: DIFFUSE GASTRIC AND LOBULAR BREAST CANCER SYNDROME. Identifiers: Orphanet 26106, MedGen C1708349, MONDO:0007648, OMIM 137215.

Submissions (4):

Myriad Genetics, Inc.
Classification: Pathogenic for Hereditary diffuse gastric adenocarcinoma. Last evaluated: 2026-03-03. Review status: criteria provided, single submitter. Criteria: Myriad Autosomal Dominant, Autosomal Recessive and X-Linked Classification Criteria (2023). Collection method: clinical testing. Allele origin: unknown.
Comment: This variant is considered pathogenic. This variant creates a frameshift predicted to result in premature protein truncation.

Color Diagnostics, LLC DBA Color Health
Classification: Pathogenic for Hereditary cancer-predisposing syndrome. Last evaluated: 2025-01-13. Review status: criteria provided, single submitter. Criteria: ACMG Guidelines, 2015. Collection method: clinical testing. Allele origin: germline.
Comment: This variant deletes 1 nucleotide in exon 5 of the CDH1 gene, creating a frameshift and premature translation stop signal. This variant is expected to result in an absent or non-functional protein product. To our knowledge, this variant has not been reported in individuals affected with CDH1-related disorders in the literature. This variant has not been identified in the general population by the Genome Aggregation Database (gnomAD). Loss of CDH1 function is a known mechanism of disease. Based on the available evidence, this variant is classified as Pathogenic.

Women's Health and Genetics/Laboratory Corporation of America, LabCorp
Classification: Pathogenic for Hereditary diffuse gastric adenocarcinoma. Last evaluated: 2024-03-26. Review status: criteria provided, single submitter. Criteria: LabCorp Variant Classification Summary - May 2015. Collection method: clinical testing. Allele origin: germline.
Comment: Variant summary: CDH1 c.537delA (p.Lys179AsnfsX36) results in a premature termination codon, predicted to cause a truncation of the encoded protein or absence of the protein due to nonsense mediated decay, which are commonly known mechanisms for disease. The variant was absent in 250964 control chromosomes. To our knowledge, no occurrence of c.537delA in individuals affected with Hereditary Diffuse Gastric Cancer and no experimental evidence demonstrating its impact on protein function have been reported. Loss of function is an established mechanism of disease for CDH1-related diffuse gastric and lobular breast cancer syndrome (Clingen). ClinVar contains an entry for this variant (Variation ID: 1405110). Based on the evidence outlined above, the variant was classified as pathogenic.

Labcorp Genetics (formerly Invitae), Labcorp
Classification: Pathogenic for Hereditary diffuse gastric adenocarcinoma. Last evaluated: 2021-08-01. Review status: criteria provided, single submitter. Criteria: Invitae Variant Classification Sherloc (09022015). Collection method: clinical testing. Allele origin: germline.
Comment: For these reasons, this variant has been classified as Pathogenic. This variant has not been reported in the literature in individuals affected with CDH1-related conditions. This variant is not present in population databases (ExAC no frequency). This sequence change creates a premature translational stop signal (p.Lys179Asnfs*36) in the CDH1 gene. It is expected to result in an absent or disrupted protein product. Loss-of-function variants in CDH1 are known to be pathogenic (PMID: 15235021, 20373070).

Literature cited by the submitters: PubMed 15235021 (cited by Labcorp Genetics (formerly Invitae), Labcorp); PubMed 20373070 (cited by Labcorp Genetics (formerly Invitae), Labcorp).

NM_004360.5(CDH1):c.537del (p.Lys179fs)

Gene: CDH1 (cadherin 1; plus strand). Cytogenetic location: 16q22.1.
Variant type: Deletion.
Coding change: c.537del on transcript NM_004360.5 (MANE Select); coding-DNA position 537, one base deleted (A; older notation c.537delA).
Protein change: p.Lys179fs; shifts the reading frame from lysine 179.
Molecular consequence: frameshift variant. On other transcripts: 5 prime UTR variant (2).
Genome position (GRCh38, 1-based): chr16:68,808,698, A deleted; the last of 3 consecutive A bases (chr16:68,808,696-68,808,698); deleting any one gives the same sequence. VCF-style (leftmost placement, unchanged base first): chr16-68808695-CA-C. GRCh37 (hg19) VCF-style: chr16-68842598-CA-C.
Other names: c.537delA (NM_004360.5); c.537del, p.Lys179fs (NM_001317184.2); c.-1079del (NM_001317185.2); c.-1283del (NM_001317186.2); short protein forms K179fs.
Identifiers: ClinVar variation 1405110 (VCV001405110.10), dbSNP rs2152130050, ClinGen allele CA2573152585.
Genomic context (GRCh38, chr16:68,808,695, plus strand): 5'-AAAGACCCAGTGTTGGGATCCTTCTTTACTAATTCTTTTTCTTTCATTTTGTCTTCAGAT[CA>C]AATCCAACAAAGACAAAGAAGGCAAGGTTTTCTACAGCATCACTGGCCAAGGAGCTGACA-3'